The following is an entry in ClinVar:

ClinVar aggregate classification (germline): Pathogenic. Review status: criteria provided, multiple submitters, no conflicts (2 of 4 stars). 10 submissions from 10 submitters: Pathogenic (7). 3 of the submissions do not count toward it. Last evaluated 2025-05-28.

Conditions:
Mucolipidosis. Also called: Mucolipidoses. Identifiers: Orphanet 79212, MedGen C0026697, MONDO:0019248.
Mucolipidosis type II. Also called: Mucolipidosis II Alpha/Beta; ML II ALPHA/BETA; Mucolipidosis 2; ML 2; Inclusion cell disease; Leroy Disease. Identifiers: Orphanet 576, MedGen C2673377, MONDO:0009650, OMIM 252500.
Pseudo-Hurler polydystrophy. Also called: Type III Mucolipidosis; Mucolipidosis III Alpha/Beta; MUCOLIPIDOSIS IIIA; ML IIIA; ML III; ML III ALPHA/BETA. Identifiers: Orphanet 423461, Orphanet 577, MedGen C0033788, MONDO:0018931, OMIM 252600.

Allele frequency attached by ClinVar (database versions not stated): gnomAD exomes 0.00001; gnomAD 0.00001; TOPMed 0.00002.
gnomAD v4.1: 5 of 1,613,094 alleles (0.00031%); highest among the groups gnomAD compares: East Asian, 0.0022%; no homozygotes.

Submissions (10):

GeneDx
Classification: Pathogenic. Last evaluated: 2025-05-28. Review status: criteria provided, single submitter. Criteria: GeneDx Variant Classification Process June 2021. Collection method: clinical testing. Allele origin: germline. Affected: yes.
Comment: Nonsense variant predicted to result in protein truncation or nonsense mediated decay in a gene for which loss of function is a known mechanism of disease; Not observed at significant frequency in large population cohorts (gnomAD); This variant is associated with the following publications: (PMID: 25525159, 30882951, 19617216, 23773965, 29704188, 36307859, 28976722, 27662472, 31795562, 31055817, 21549105, 37484777)

Natera, Inc.
Classification: Pathogenic for Mucolipidosis type II. Last evaluated: 2025-02-17. Review status: criteria provided, single submitter. Criteria: Natera Variant Classification Schema (03/2026). Collection method: clinical testing. Allele origin: germline.
Comment: The c.1090C>T variant in GNPTAB is a nonsense variant predicted to introduce a stop codon at amino acid 364. This variant is expected to result in nonsense mediated decay, truncation, or a dysfunctional protein product. This variant is rare in the general population with a frequency below the threshold expected for the associated phenotype(s). This variant has been observed in one or more individuals affected with the associated recessive disease, as either homozygous or compound heterozygous with a second variant (PMID: 19617216, 23773965). Given the available evidence, this variant is classified as Pathogenic.

Labcorp Genetics (formerly Invitae), Labcorp
Classification: Pathogenic for Pseudo-Hurler polydystrophy; Mucolipidosis type II. Last evaluated: 2024-10-12. Review status: criteria provided, single submitter. Criteria: Invitae Variant Classification Sherloc (09022015). Collection method: clinical testing. Allele origin: germline.
Comment: This sequence change creates a premature translational stop signal (p.Arg364*) in the GNPTAB gene. It is expected to result in an absent or disrupted protein product. Loss-of-function variants in GNPTAB are known to be pathogenic (PMID: 19617216, 25107912). This variant is present in population databases (rs200646278, gnomAD 0.01%). This premature translational stop signal has been observed in individuals with mucolipidosis II (PMID: 19617216, 23773965, 27662472). ClinVar contains an entry for this variant (Variation ID: 39021). For these reasons, this variant has been classified as Pathogenic.

Revvity Omics, Revvity
Classification: Pathogenic. Last evaluated: 2023-11-07. Review status: criteria provided, single submitter. Criteria: ACMG Guidelines, 2015. Collection method: clinical testing. Allele origin: germline.

Fulgent Genetics
Classification: Pathogenic for Mucolipidosis type II; Pseudo-Hurler polydystrophy. Last evaluated: 2018-10-31. Review status: criteria provided, single submitter. Criteria: ACMG Guidelines, 2015. Collection method: clinical testing. Allele origin: unknown.

Women's Health and Genetics/Laboratory Corporation of America, LabCorp
Classification: Pathogenic for Mucolipidosis. Last evaluated: 2018-02-15. Review status: criteria provided, single submitter. Criteria: LabCorp Variant Classification Summary - May 2015. Collection method: clinical testing. Allele origin: germline.
Comment: Variant summary: GNPTAB c.1090C>T (p.Arg364X) results in a premature termination codon, predicted to cause a truncation of the encoded protein or absence of the protein due to nonsense mediated decay, which are commonly known mechanisms for disease. Truncations downstream of this position have been classified as pathogenic by our laboratory (e.g., c.1123C>T (p.Arg375X), c.1581delC (p.Cys528fsX19), c.2693delA (p.Lys898fsX13)). The variant allele was found at a frequency of 1.2e-05 in 246412 control chromosomes (gnomAD). This frequency is not higher than expected for a pathogenic variant in GNPTAB causing Mucolipidosis (1.2e-05 vs 0.0022), allowing no conclusion about variant significance. The c.1090C>T variant has been reported in the literature in multiple individuals affected with Mucolipidosis, both as a homozygous and compound heterozygous allele. These data indicate that the variant is very likely to be associated with disease. GeneReviews, a well established database, along with a clinical diagnostic laboratory classify the variant as "pathogenic." Based on the evidence outlined above, the variant was classified as pathogenic.

Juno Genomics, Hangzhou Juno Genomics, Inc
Classification: Pathogenic for Mucolipidosis type II; Pseudo-Hurler polydystrophy. Review status: criteria provided, single submitter. Criteria: ACMG Guidelines, 2015. Collection method: clinical testing. Allele origin: germline.
Comment: Absent from controls (or at extremely low frequency if recessive) in Genome Aggregation Database.;Null variant in a gene where loss of function (LOF) is a known mechanism of disease.;For recessive disorders, detected in trans with a pathogenic variant.;Patient's phenotype or family history is highly specific for a disease with a single genetic etiology.

Counsyl
Classification: Pathogenic for Mucolipidosis type II; Pseudo-Hurler polydystrophy. Last evaluated: 2017-09-20. Review status: no assertion criteria provided. Collection method: clinical testing. Allele origin: unknown. Not counted in ClinVar's aggregate classification.

Department of Genetics and Endocrinology, Guangzhou Women and Children’s Medical Center
Classification: Pathogenic for Mucolipidosis. Review status: no assertion criteria provided. Collection method: clinical testing. Allele origin: inherited. Affected: yes. Not counted in ClinVar's aggregate classification.

GeneReviews
No classification provided. Condition: Mucolipidosis type II. Review status: no classification provided. Collection method: literature only. Allele origin: unknown. Not counted in ClinVar's aggregate classification.

Literature cited by the submitters: PubMed 19617216 (cited by 4 submitters); PubMed 23773965 (cited by 3 submitters); PubMed 25107912 (cited by Labcorp Genetics (formerly Invitae), Labcorp); PubMed 27662472 (cited by Labcorp Genetics (formerly Invitae), Labcorp and Counsyl); PubMed 21549105 (cited by Women's Health and Genetics/Laboratory Corporation of America, LabCorp); PubMed 20301728 (cited by GeneReviews); NCBI Bookshelf NBK1828 (cited by GeneReviews).

NM_024312.5(GNPTAB):c.1090C>T (p.Arg364Ter)

Gene: GNPTAB (N-acetylglucosamine-1-phosphate transferase subunits alpha and beta; minus strand). Cytogenetic location: 12q23.2.
Variant type: single nucleotide variant.
Coding change: c.1090C>T on transcript NM_024312.5 (MANE Select); coding-DNA position 1090, C replaced by T.
Protein change: p.Arg364Ter; replaces arginine 364 with a stop codon.
Molecular consequence: nonsense.
Genome position (GRCh38, 1-based): chr12:101,770,429, G>A on the plus strand (C>T on the coding strand, the complement: GNPTAB is on the minus strand). VCF-style: chr12-101770429-G-A. GRCh37 (hg19) VCF-style: chr12-102164207-G-A.
Other names: short protein forms R364*.
Identifiers: ClinVar variation 39021 (VCV000039021.25), dbSNP rs200646278, ClinGen allele CA343335.